The following is an entry in ClinVar:

ClinVar aggregate classification (germline): Likely benign. Review status: reviewed by expert panel (3 of 4 stars). 2 submissions from 2 submitters: Likely benign (1). 1 of the submissions does not count toward it. Last evaluated 2025-03-26.

Conditions:
Inborn genetic diseases. Identifiers: MedGen C0950123, MeSH D030342.
Hereditary thrombocytopenia and hematologic cancer predisposition syndrome. Identifiers: Orphanet 71290, MedGen CN281654, MONDO:0011071.

Submissions (2):

ClinGen Myeloid Malignancy Variant Curation Expert Panel
Classification: Likely benign for Hereditary thrombocytopenia and hematologic cancer predisposition syndrome. Last evaluated: 2025-03-26. Review status: reviewed by expert panel. Criteria: ClinGen MyeloMalig ACMG Specifications v2. Collection method: curation. Allele origin: germline. Inheritance: Autosomal dominant inheritance.
Comment: NM_001754.5(RUNX1):c.432G>C (p.Leu144=) is a synonymous variant which has a SpliceAI score ≤ 0.20 (0.01) and evolutionary conservation algorithms predict the site as not being conserved (PhyloP score ≤ 2.0 [0.05]) (BP4, BP7). This variant is completely absent from all population databases with at least 20x coverage for RUNX1 (PM2_supporting). In summary, this variant meets criteria to be classified as likely benign. ACMG/AMP criteria applied, as specified by the Myeloid Malignancy Variant Curation Expert Panel for RUNX1: BP4, BP7, PM2_supporting.

Ambry Genetics
Classification: Likely benign for Inborn genetic diseases. Last evaluated: 2024-11-17. Review status: criteria provided, single submitter. Criteria: Ambry Variant Classification Scheme 2023. Collection method: clinical testing. Allele origin: germline. Not counted in ClinVar's aggregate classification.

NM_001754.5(RUNX1):c.432G>C (p.Leu144=)

Genes: RUNX1 (RUNX family transcription factor 1; minus strand), RUNX1-AS1 (RUNX1 antisense RNA 1; plus strand). Cytogenetic location: 21q22.12.
Variant type: single nucleotide variant.
Coding change: c.432G>C on transcript NM_001754.5 (MANE Select); coding-DNA position 432, G replaced by C.
Protein change: p.Leu144=; no amino-acid change (leucine 144 retained).
Molecular consequence: synonymous variant.
Genome position (GRCh38, 1-based): chr21:34,880,633, C>G on the plus strand (G>C on the coding strand, the complement: RUNX1 is on the minus strand). VCF-style: chr21-34880633-C-G. GRCh37 (hg19) VCF-style: chr21-36252930-C-G.
Other names: NM_001754.5(RUNX1):c.432G>C; p.Leu144=; c.351G>C, p.Leu117= (NM_001001890.3, NM_001122607.2).
Identifiers: ClinVar variation 3436400 (VCV003436400.2).
Genomic context (GRCh38, chr21:34,880,633, plus strand): 5'-GACAAACCTGAGGTCATTAAATCTTGCAACCTGGTTCTTCATGGCTGCGGTAGCATTTCT[C>G]AGCTCAGCCGAGTAGTTTTCATCATTGCCAGCCATCACAGTGACCAGAGTGCCATCTGGA-3'
Protein context (NP_001745.2, residues 134-154): AGNDENYSAE[Leu144=]RNATAAMKNQ